The following is an entry in ClinVar:

ClinVar aggregate classification (germline): Benign/Likely benign. Review status: criteria provided, multiple submitters, no conflicts (2 of 4 stars). 3 submissions from 3 submitters: Benign (1); Likely benign (2). Last evaluated 2025-05-23.

Conditions:
Hereditary cancer-predisposing syndrome. Also called: Neoplastic Syndromes, Hereditary; Tumor predisposition; Hereditary Cancer Syndrome; Hereditary neoplastic syndrome. Identifiers: Orphanet 140162, MedGen C0027672, MeSH D009386, MONDO:0015356.
Hereditary nonpolyposis colorectal neoplasms. Identifiers: MedGen C0009405, MeSH D003123.
Lynch syndrome 5 (LYNCH5). Also called: Hereditary non-polyposis colorectal cancer, type 5; Colorectal cancer, hereditary nonpolyposis, type 5. Identifiers: Orphanet 144, MedGen C1833477, MONDO:0013710, OMIM 614350. Disease mechanism: loss of function.

Submissions (3):

Labcorp Genetics (formerly Invitae), Labcorp
Classification: Likely benign for Hereditary nonpolyposis colorectal neoplasms. Last evaluated: 2025-05-23. Review status: criteria provided, single submitter. Criteria: Invitae Variant Classification Sherloc (09022015). Collection method: clinical testing. Allele origin: germline.

Myriad Genetics, Inc.
Classification: Benign for Lynch syndrome 5. Last evaluated: 2024-12-18. Review status: criteria provided, single submitter. Criteria: Myriad Autosomal Dominant, Autosomal Recessive and X-Linked Classification Criteria (2023). Collection method: clinical testing. Allele origin: unknown.
Comment: This variant is considered benign. This variant is a silent/synonymous amino acid change and it is not expected to impact splicing.

Ambry Genetics
Classification: Likely benign for Hereditary cancer-predisposing syndrome. Last evaluated: 2022-02-07. Review status: criteria provided, single submitter. Criteria: Ambry Variant Classification Scheme 2023. Collection method: clinical testing. Allele origin: germline.

NM_000179.3(MSH6):c.360C>T (p.Ile120=)

Gene: MSH6 (mutS homolog 6; plus strand). Cytogenetic location: 2p16.3.
Variant type: single nucleotide variant.
Coding change: c.360C>T on transcript NM_000179.3 (MANE Select); coding-DNA position 360, C replaced by T.
Protein change: p.Ile120=; no amino-acid change (isoleucine 120 retained).
Molecular consequence: synonymous variant. On other transcripts: 5 prime UTR variant (7), non-coding transcript variant (5), intron variant (6).
Genome position (GRCh38, 1-based): chr2:47,791,026, C>T. VCF-style: chr2-47791026-C-T. GRCh37 (hg19) VCF-style: chr2-48018165-C-T.
Other names: c.-377C>T (NM_001281493.2, NM_001406811.1, NM_001406823.1 and 1 more transcripts); c.-543C>T (NM_001281494.2); c.456C>T, p.Ile152= (NM_001406795.1, NM_001406802.1); c.360C>T, p.Ile120= (NM_001406796.1, NM_001406798.1, NM_001406800.1 and 6 more transcripts); c.63C>T, p.Ile21= (NM_001406797.1, NM_001406801.1, NM_001406805.1 and 10 more transcripts); c.282C>T, p.Ile94= (NM_001406804.1); c.-569C>T (NM_001406807.1); c.-635C>T (NM_001406814.1); and 6 more.
Identifiers: ClinVar variation 1733204 (VCV001733204.8), dbSNP rs2104105216, ClinGen allele CA425989389.